The following is an entry in ClinVar:

NM_001283009.2(RTEL1):c.2620G>T (p.Gly874Trp)

Genes: RTEL1 (regulator of telomere elongation helicase 1; plus strand), RTEL1-TNFRSF6B (RTEL1-TNFRSF6B readthrough (NMD candidate); plus strand). Cytogenetic location: 20q13.33.
Variant type: single nucleotide variant.
Coding change: c.2620G>T on transcript NM_001283009.2 (MANE Select); coding-DNA position 2620, G replaced by T.
Protein change: p.Gly874Trp; replaces glycine 874 with tryptophan.
Molecular consequence: missense variant. On other transcripts: non-coding transcript variant (1).
Genome position (GRCh38, 1-based): chr20:63,691,805, G>T. VCF-style: chr20-63691805-G-T. GRCh37 (hg19) VCF-style: chr20-62323158-G-T.
Other names: c.1951G>T, p.Gly651Trp (NM_001283010.1); c.2620G>T, p.Gly874Trp (NM_016434.4); c.2692G>T, p.Gly898Trp (NM_032957.5); short protein forms G651W, G874W, G898W.
Identifiers: ClinVar variation 3761953 (VCV003761953.2).

ClinVar aggregate classification (germline): Uncertain significance (1 of 4 stars; one submission).

Conditions:
Dyskeratosis congenita, autosomal recessive 5 (DKCB5). Identifiers: MedGen C3554656, MONDO:0014076, OMIM 615190.
Pulmonary fibrosis and/or bone marrow failure, Telomere-related, 3. Also called: PULMONARY FIBROSIS AND/OR BONE MARROW FAILURE SYNDROME, TELOMERE-RELATED, 3. Identifiers: Orphanet 2032, MedGen C4225346, MONDO:0014613, OMIM 616373.

Submission:

Labcorp Genetics (formerly Invitae), Labcorp
Classification: Uncertain significance for Dyskeratosis congenita, autosomal recessive 5; Pulmonary fibrosis and/or bone marrow failure, Telomere-related, 3. Last evaluated: 2024-08-28. Review status: criteria provided, single submitter. Criteria: Invitae Variant Classification Sherloc (09022015). Collection method: clinical testing. Allele origin: germline.
Comment: This sequence change replaces glycine, which is neutral and non-polar, with tryptophan, which is neutral and slightly polar, at codon 874 of the RTEL1 protein (p.Gly874Trp). This variant is not present in population databases (gnomAD no frequency). This variant has not been reported in the literature in individuals affected with RTEL1-related conditions. An algorithm developed to predict the effect of missense changes on protein structure and function (PolyPhen-2) suggests that this variant is likely to be disruptive. In summary, the available evidence is currently insufficient to determine the role of this variant in disease. Therefore, it has been classified as a Variant of Uncertain Significance.